The following is an entry in ClinVar:

NM_000789.4(ACE):c.2857C>T (p.Arg953Trp)

Gene: ACE (angiotensin I converting enzyme; plus strand). Cytogenetic location: 17q23.3.
Variant type: single nucleotide variant.
Coding change: c.2857C>T on transcript NM_000789.4 (MANE Select); coding-DNA position 2857, C replaced by T.
Protein change: p.Arg953Trp; replaces arginine 953 with tryptophan.
Molecular consequence: missense variant.
Genome position (GRCh38, 1-based): chr17:63,491,326, C>T. VCF-style: chr17-63491326-C-T. GRCh37 (hg19) VCF-style: chr17-61568687-C-T.
Other names: c.1135C>T, p.Arg379Trp (NM_001178057.2, NM_152830.3); short protein forms R953W, R379W.
Identifiers: ClinVar variation 813620 (VCV000813620.8), dbSNP rs772888815, ClinGen allele CA8700282.

ClinVar aggregate classification (germline): Uncertain significance. Review status: criteria provided, multiple submitters, no conflicts (2 of 4 stars). 3 submissions from 3 submitters: Uncertain significance (2). 1 of the submissions does not count toward it. Last evaluated 2024-03-14.

Conditions:
Microvascular complications of diabetes, susceptibility to, 3. Identifiers: MedGen C2675470, MONDO:0012963, OMIM 612624.
Hemorrhage, intracerebral, susceptibility to (ICH). Also called: Stroke, hemorrhagic, susceptibility to. Identifiers: MedGen C3281105, MONDO:0100533, OMIM 614519.
Renal tubular dysgenesis of genetic origin. Also called: PRIMITIVE RENAL TUBULE SYNDROME. Identifiers: Orphanet 97369, MedGen C5681536, MONDO:0009970, OMIM 267430.
Microcephaly. Also called: Microcephaly (disease). Identifiers: MedGen C4551563, MONDO:0001149, HP:0000252.

Allele frequency attached by ClinVar (database versions not stated): gnomAD 0.00001; gnomAD exomes 0.00001; ExAC 0.00002.

Submissions (3):

Fulgent Genetics
Classification: Uncertain significance for Renal tubular dysgenesis of genetic origin; Microvascular complications of diabetes, susceptibility to, 3; Hemorrhage, intracerebral, susceptibility to. Last evaluated: 2024-03-14. Review status: criteria provided, single submitter. Criteria: ACMG Guidelines, 2015. Collection method: clinical testing. Allele origin: germline.

Labcorp Genetics (formerly Invitae), Labcorp
Classification: Uncertain significance. Last evaluated: 2022-11-22. Review status: criteria provided, single submitter. Criteria: Invitae Variant Classification Sherloc (09022015). Collection method: clinical testing. Allele origin: germline.
Comment: In summary, the available evidence is currently insufficient to determine the role of this variant in disease. Therefore, it has been classified as a Variant of Uncertain Significance. Advanced modeling of protein sequence and biophysical properties (such as structural, functional, and spatial information, amino acid conservation, physicochemical variation, residue mobility, and thermodynamic stability) has been performed at Invitae for this missense variant, however the output from this modeling did not meet the statistical confidence thresholds required to predict the impact of this variant on ACE protein function. ClinVar contains an entry for this variant (Variation ID: 813620). This variant has not been reported in the literature in individuals affected with ACE-related conditions. This variant is present in population databases (rs772888815, gnomAD 0.01%). This sequence change replaces arginine, which is basic and polar, with tryptophan, which is neutral and slightly polar, at codon 953 of the ACE protein (p.Arg953Trp).

Department of Pediatrics, Samsung Medical Center, Samsung Medical Center
Classification: Uncertain significance for Microcephaly. Review status: no assertion criteria provided. Criteria: ACMG Guidelines, 2015. Collection method: research. Allele origin: germline. Affected: yes. Not counted in ClinVar's aggregate classification.